The following is an entry in ClinVar:

ClinVar aggregate classification (germline): Uncertain significance. Review status: criteria provided, multiple submitters, no conflicts (2 of 4 stars). 2 submissions from 2 submitters: Uncertain significance (2). Last evaluated 2025-04-18.

Conditions:
Inborn genetic diseases. Identifiers: MedGen C0950123, MeSH D030342.

gnomAD v4.1: 2 of 1,561,940 alleles (0.00013%); highest among the groups gnomAD compares: South Asian, 0.0023%; no homozygotes.

Submissions (2):

Ambry Genetics
Classification: Uncertain significance for Inborn genetic diseases. Last evaluated: 2025-04-18. Review status: criteria provided, single submitter. Criteria: Ambry Variant Classification Scheme 2023. Collection method: clinical testing. Allele origin: germline.

Mayo Clinic Laboratories, Mayo Clinic
Classification: Uncertain significance. Last evaluated: 2024-09-23. Review status: criteria provided, single submitter. Criteria: ACMG Guidelines, 2015. Collection method: clinical testing. Allele origin: germline. Observed: 1 variant allele.
Comment: BP4, PM2

NM_001364905.1(LRBA):c.4463G>A (p.Ser1488Asn)

Gene: LRBA (LPS responsive beige-like anchor protein; minus strand). Cytogenetic location: 4q31.3.
Variant type: single nucleotide variant.
Coding change: c.4463G>A on transcript NM_001364905.1 (MANE Select); coding-DNA position 4463, G replaced by A.
Protein change: p.Ser1488Asn; replaces serine 1488 with asparagine.
Molecular consequence: missense variant.
Genome position (GRCh38, 1-based): chr4:150,844,206, C>T on the plus strand (G>A on the coding strand, the complement: LRBA is on the minus strand). VCF-style: chr4-150844206-C-T. GRCh37 (hg19) VCF-style: chr4-151765358-C-T.
Other names: p.Ser1488Asn; c.4463G>A, p.Ser1488Asn (NM_001199282.3, NM_001367550.1, NM_006726.5); short protein forms S1488N.
Identifiers: ClinVar variation 3379561 (VCV003379561.2).